The following is an entry in ClinVar:

ClinVar aggregate classification (germline): Likely benign (0 of 4 stars; one submission).

Conditions:
POMC-related disorder. Also called: POMC-related disorders; POMC-related condition.

gnomAD v4.1: 2 of 1,593,528 alleles (0.00013%); highest among the groups gnomAD compares: Non-Finnish European, 0.00017%; no homozygotes.

Submission:

PreventionGenetics, part of Exact Sciences
Classification: Likely benign for POMC-related condition. Last evaluated: 2021-03-25. Review status: no assertion criteria provided. Collection method: clinical testing. Allele origin: germline.
Comment: This variant is classified as likely benign based on ACMG/AMP sequence variant interpretation guidelines (Richards et al. 2015 PMID: 25741868, with internal and published modifications).

NM_000939.4(POMC):c.165G>A (p.Ser55=)

Genes: POMC (proopiomelanocortin; minus strand), LOC129933280 (ATAC-STARR-seq lymphoblastoid silent region 11244; plus strand). Cytogenetic location: 2p23.3.
Variant type: single nucleotide variant.
Coding change: c.165G>A on transcript NM_000939.4 (MANE Select); coding-DNA position 165, G replaced by A.
Protein change: p.Ser55=; no amino-acid change (serine 55 retained).
Molecular consequence: synonymous variant.
Genome position (GRCh38, 1-based): chr2:25,161,720, C>T on the plus strand (G>A on the coding strand, the complement: POMC is on the minus strand). VCF-style: chr2-25161720-C-T. GRCh37 (hg19) VCF-style: chr2-25384589-C-T.
Other names: c.165G>A, p.Ser55= (NM_001035256.3, NM_001319204.2, NM_001319205.2).
Identifiers: ClinVar variation 3357507 (VCV003357507.1).
Genomic context (GRCh38, chr2:25,161,720, plus strand): 5'-CCGGGGGTTCTCGGTCAGAGGCTGCTCGTCGCCATTTCCCGGGAACATGGGAGTCTCGGC[C>T]GAGAGGTCGGGCTTGCAGGCCCGGATGCACTCCTGGGGGAAGACGCGAGGGCATGAGGGC-3'
Protein context (NP_000930.1, residues 45-65): ECIRACKPDL[Ser55=]AETPMFPGNG